The following is an entry in ClinVar:

ClinVar aggregate classification (germline): Uncertain significance (1 of 4 stars; one submission).

Conditions:
Immunodeficiency 51 (IMD51). Also called: CANDIDIASIS, FAMILIAL, 5. Identifiers: Orphanet 1334, MedGen C4310803, MONDO:0013500, OMIM 613953.

Allele frequency attached by ClinVar (database versions not stated): gnomAD 0.00001; TOPMed 0.00001.
gnomAD v4.1: 15 of 1,599,174 alleles (0.00094%); highest among the groups gnomAD compares: Admixed American, 0.0034%; no homozygotes.

Submission:

Labcorp Genetics (formerly Invitae), Labcorp
Classification: Uncertain significance for Immunodeficiency 51. Last evaluated: 2019-05-14. Review status: criteria provided, single submitter. Criteria: Invitae Variant Classification Sherloc (09022015). Collection method: clinical testing. Allele origin: germline.
Comment: This sequence change replaces glycine with arginine at codon 766 of the IL17RA protein (p.Gly766Arg). The glycine residue is weakly conserved and there is a moderate physicochemical difference between glycine and arginine. This variant is present in population databases (rs779762104, ExAC 0.02%). This variant has not been reported in the literature in individuals with IL17RA-related conditions. Algorithms developed to predict the effect of missense changes on protein structure and function (SIFT, PolyPhen-2, Align-GVGD) all suggest that this variant is likely to be tolerated, but these predictions have not been confirmed by published functional studies and their clinical significance is uncertain. In summary, the available evidence is currently insufficient to determine the role of this variant in disease. Therefore, it has been classified as a Variant of Uncertain Significance.

NM_014339.7(IL17RA):c.2296G>A (p.Gly766Arg)

Gene: IL17RA (interleukin 17 receptor A; plus strand). Cytogenetic location: 22q11.1.
Variant type: single nucleotide variant.
Coding change: c.2296G>A on transcript NM_014339.7 (MANE Select); coding-DNA position 2296, G replaced by A.
Protein change: p.Gly766Arg; replaces glycine 766 with arginine.
Molecular consequence: missense variant.
Genome position (GRCh38, 1-based): chr22:17,109,515, G>A. VCF-style: chr22-17109515-G-A. GRCh37 (hg19) VCF-style: chr22-17590405-G-A.
Other names: c.2194G>A, p.Gly732Arg (NM_001289905.2); short protein forms G732R, G766R.
Identifiers: ClinVar variation 834589 (VCV000834589.1), dbSNP rs779762104, ClinGen allele CA10086964.